The following is an entry in ClinVar:

ClinVar aggregate classification (germline): Uncertain significance. Review status: criteria provided, multiple submitters, no conflicts (2 of 4 stars). 2 submissions from 2 submitters: Uncertain significance (2). Last evaluated 2023-03-07.

Conditions:
Beckwith-Wiedemann syndrome (BWS). Also called: Exomphalos macroglossia gigantism syndrome; EMG SYNDROME. Identifiers: Orphanet 116, MedGen C0004903, MONDO:0007534, OMIM 130650.
IMAGe syndrome. Also called: Intrauterine Growth Restriction, Metaphyseal Dysplasia, Adrenal Hypoplasia Congenita, and Genital Anomalies; Intrauterine growth retardation, metaphyseal dysplasia, adrenal hypoplasia congenita, and genital anomalies. Identifiers: Orphanet 85173, MedGen C1846009, MONDO:0013873, OMIM 614732.

gnomAD v4.1: 2 of 1,475,280 alleles (0.00014%); highest among the groups gnomAD compares: Non-Finnish European, 0.00018%; no homozygotes.

Submissions (2):

Labcorp Genetics (formerly Invitae), Labcorp
Classification: Uncertain significance for Beckwith-Wiedemann syndrome. Last evaluated: 2023-03-07. Review status: criteria provided, single submitter. Criteria: Invitae Variant Classification Sherloc (09022015). Collection method: clinical testing. Allele origin: germline.
Comment: This sequence change replaces proline, which is neutral and non-polar, with arginine, which is basic and polar, at codon 121 of the CDKN1C protein (p.Pro121Arg). This variant is not present in population databases (gnomAD no frequency). This variant has not been reported in the literature in individuals affected with CDKN1C-related conditions. ClinVar contains an entry for this variant (Variation ID: 1004502). Advanced modeling of protein sequence and biophysical properties (such as structural, functional, and spatial information, amino acid conservation, physicochemical variation, residue mobility, and thermodynamic stability) performed at Invitae indicates that this missense variant is not expected to disrupt CDKN1C protein function. In summary, the available evidence is currently insufficient to determine the role of this variant in disease. Therefore, it has been classified as a Variant of Uncertain Significance.

Fulgent Genetics
Classification: Uncertain significance for Beckwith-Wiedemann syndrome; IMAGe syndrome. Last evaluated: 2022-01-27. Review status: criteria provided, single submitter. Criteria: ACMG Guidelines, 2015. Collection method: clinical testing. Allele origin: unknown.

NM_001122630.2(CDKN1C):c.329C>G (p.Pro110Arg)

Gene: CDKN1C (cyclin dependent kinase inhibitor 1C; minus strand). Cytogenetic location: 11p15.4.
Variant type: single nucleotide variant.
Coding change: c.329C>G on transcript NM_001122630.2 (MANE Select); coding-DNA position 329, C replaced by G.
Protein change: p.Pro110Arg; replaces proline 110 with arginine.
Molecular consequence: missense variant. On other transcripts: intron variant (1).
Genome position (GRCh38, 1-based): chr11:2,885,128, G>C on the plus strand (C>G on the coding strand, the complement: CDKN1C is on the minus strand). VCF-style: chr11-2885128-G-C. GRCh37 (hg19) VCF-style: chr11-2906358-G-C.
Other names: c.362C>G, p.Pro121Arg (NM_000076.2, NM_001362474.2); c.329C>G, p.Pro110Arg (NM_001122631.2); c.255+74C>G (NM_001362475.2); short protein forms P110R, P121R.
Identifiers: ClinVar variation 1004502 (VCV001004502.12), dbSNP rs1590150723, ClinGen allele CA379146855.